The following is an entry in ClinVar:

NM_030958.3(SLCO5A1):c.2129A>G (p.Asp710Gly)

Gene: SLCO5A1 (solute carrier organic anion transporter family member 5A1; minus strand). Cytogenetic location: 8q13.3.
Variant type: single nucleotide variant.
Coding change: c.2129A>G on transcript NM_030958.3 (MANE Select); coding-DNA position 2129, A replaced by G.
Protein change: p.Asp710Gly; replaces aspartic acid 710 with glycine.
Molecular consequence: missense variant. On other transcripts: stop lost (1).
Genome position (GRCh38, 1-based): chr8:69,673,287, T>C on the plus strand (A>G on the coding strand, the complement: SLCO5A1 is on the minus strand). VCF-style: chr8-69673287-T-C. GRCh37 (hg19) VCF-style: chr8-70585522-T-C.
Other names: c.2064A>G, p.Ter688Trp (NM_001146008.2); c.1964A>G, p.Asp655Gly (NM_001146009.1); short protein forms D655G, D710G.
Identifiers: ClinVar variation 1502256 (VCV001502256.6), dbSNP rs1209192253, ClinGen allele CA371232740.

ClinVar aggregate classification (germline): Uncertain significance (1 of 4 stars; one submission).

Allele frequency attached by ClinVar (database versions not stated): gnomAD 0.00001.
gnomAD v4.1: 1 of 1,614,038 alleles (0.000062%); highest among the groups gnomAD compares: Non-Finnish European, 0.000085%; no homozygotes.

Submission:

Labcorp Genetics (formerly Invitae), Labcorp
Classification: Uncertain significance. Last evaluated: 2021-11-28. Review status: criteria provided, single submitter. Criteria: Invitae Variant Classification Sherloc (09022015). Collection method: clinical testing. Allele origin: germline.
Comment: This variant has not been reported in the literature in individuals affected with SLCO5A1-related conditions. In summary, the available evidence is currently insufficient to determine the role of this variant in disease. Therefore, it has been classified as a Variant of Uncertain Significance. Algorithms developed to predict the effect of missense changes on protein structure and function are either unavailable or do not agree on the potential impact of this missense change (SIFT: "Deleterious"; PolyPhen-2: "Probably Damaging"; Align-GVGD: "Class C0"). This variant is present in population databases (no rsID available, gnomAD 0.007%). This sequence change replaces aspartic acid, which is acidic and polar, with glycine, which is neutral and non-polar, at codon 710 of the SLCO5A1 protein (p.Asp710Gly).